The following is an entry in ClinVar:

ClinVar aggregate classification (germline): Conflicting classifications of pathogenicity. Review status: criteria provided, conflicting classifications (1 of 4 stars). 5 submissions from 5 submitters: Likely pathogenic (1); Uncertain significance (4). Last evaluated 2026-06-04.

Conditions:
Pheochromocytoma/paraganglioma syndrome 2. Also called: GLOMUS TUMORS, FAMILIAL, 2; Paragangliomas 2; SDHAF2-Related Hereditary Paraganglioma-Pheochromocytoma Syndrome; SDHAF2-Related Hereditary Paraganglioma-Pheochromocytoma Syndrome (Paragangliomas 2). Identifiers: Orphanet 29072, MedGen C1866552, MONDO:0011121, OMIM 601650.
Hereditary cancer-predisposing syndrome. Also called: Hereditary Cancer Syndrome; Neoplastic Syndromes, Hereditary; Hereditary neoplastic syndrome; Tumor predisposition. Identifiers: Orphanet 140162, MedGen C0027672, MeSH D009386, MONDO:0015356.
Hereditary pheochromocytoma and paraganglioma. Also called: Hereditary pheochromocytoma-paraganglioma; Hereditary Paraganglioma-Pheochromocytoma Syndromes; Hereditary paragangliomas and pheochromocytomas. Identifiers: Orphanet 29072, MedGen C4274332, MONDO:0017366.

Allele frequency attached by ClinVar (database versions not stated): TOPMed below 0.00001; gnomAD 0.00001.

Submissions (5):

Myriad Genetics, Inc.
Classification: Likely pathogenic for Pheochromocytoma/paraganglioma syndrome 2. Last evaluated: 2026-06-04. Review status: criteria provided, single submitter. Criteria: Myriad Autosomal Dominant, Autosomal Recessive and X-Linked Classification Criteria (2023). Collection method: clinical testing. Allele origin: unknown.
Comment: This variant is considered likely pathogenic. This variant is located within the gene translation start codon (p.Met1?) and is predicted to result in abnormal protein translation.

St. Jude Molecular Pathology, St. Jude Children's Research Hospital
Classification: Uncertain significance for Pheochromocytoma/paraganglioma syndrome 2. Last evaluated: 2026-02-20. Review status: criteria provided, single submitter. Criteria: St. Jude Assertion Criteria 2020. Collection method: clinical testing. Allele origin: germline.
Comment: The SDHAF2 c.2T>C p.(Met1?) change results in a T>C substitution at the start codon of exon 1 in the SDHAF2 gene. This mutation disrupts the initiation codon and occurs in a gene where loss-of-function is a known disease mechanism. However, a d ownstream methionine is present at codon 13, which may serve as an alternative initiation site. This variant is absent in gnomAD v2.1.1. To our knowledge, this variant has not been reported in individuals with SDHAF2- associated tumors. In summary, the evidence currently available is insufficient to determine the clinical significance of this variant. It has therefore been classified as of uncertain significance.

Labcorp Genetics (formerly Invitae), Labcorp
Classification: Uncertain significance for Hereditary pheochromocytoma and paraganglioma. Last evaluated: 2024-06-06. Review status: criteria provided, single submitter. Criteria: Invitae Variant Classification Sherloc (09022015). Collection method: clinical testing. Allele origin: germline.
Comment: This sequence change affects the initiator methionine of the SDHAF2 mRNA. The next in-frame methionine is located at codon 13. This variant is not present in population databases (gnomAD no frequency). This variant has not been reported in the literature in individuals affected with SDHAF2-related conditions. ClinVar contains an entry for this variant (Variation ID: 411609). In summary, the available evidence is currently insufficient to determine the role of this variant in disease. Therefore, it has been classified as a Variant of Uncertain Significance.

Ambry Genetics
Classification: Uncertain significance for Hereditary cancer-predisposing syndrome. Last evaluated: 2023-09-26. Review status: criteria provided, single submitter. Criteria: Ambry Variant Classification Scheme 2023. Collection method: clinical testing. Allele origin: germline.
Comment: The p.M1? variant (also known as c.2T>C) is located in coding exon 1 of the SDHAF2 gene and results from a T to C substitution at nucleotide position 2. This alters the methionine residue at the initiation codon (ATG). Variations that modify the initiation codon are expected to result in either loss of translation initiation, N-terminal truncation, or cause a shift in the mRNA reading frame; however, there is an in-frame methionine 12 amino acids from the initiation site, which may result in N-terminal truncation of unknown functional significance. Since supporting evidence is limited at this time, the clinical significance of this alteration remains unclear.

Sema4
Classification: Uncertain significance for Hereditary cancer-predisposing syndrome. Last evaluated: 2021-07-16. Review status: criteria provided, single submitter. Criteria: Sema4 Curation Guidelines. Collection method: curation. Allele origin: germline.
Comment: The SDHAF2 c.2T>C (p.M1?) variant has not been reported in the literature to our knowledge. This variant leads to the loss of the initiation codon and no other pathogenic variants have been reported at this initiation codon. The closest methionine is located 12 amino acids downstream and it is unknown whether this second methionine may be used as an alternative initiation site. This variant was not observed in the large and broad cohorts of the Genome Aggregation Database (PMID: 32461654). It has been reported in ClinVar (Variation ID 411609). The evidence is insufficient to meet ACMG/AMP criteria for classifying the variant as benign or pathogenic. Thus, the clinical significance of this variant is currently uncertain.

NM_017841.4(SDHAF2):c.2T>C (p.Met1Thr)

Gene: SDHAF2 (succinate dehydrogenase complex assembly factor 2; plus strand). Cytogenetic location: 11q12.2.
Variant type: single nucleotide variant.
Coding change: c.2T>C on transcript NM_017841.4 (MANE Select); coding-DNA position 2, T replaced by C.
Protein change: p.Met1Thr; changes the start codon (methionine 1).
Molecular consequence: missense variant, initiator codon variant.
Genome position (GRCh38, 1-based): chr11:61,430,148, T>C. VCF-style: chr11-61430148-T-C. GRCh37 (hg19) VCF-style: chr11-61197620-T-C.
Other names: short protein forms M1T.
Identifiers: ClinVar variation 411609 (VCV000411609.15), dbSNP rs1060503392, ClinGen allele CA16613424.